The following is an entry in ClinVar:

NM_002382.5(MAX):c.346C>T (p.Pro116Ser)

Gene: MAX (MYC associated transcriptional regulator X; minus strand). Cytogenetic location: 14q23.3.
Variant type: single nucleotide variant.
Coding change: c.346C>T on transcript NM_002382.5 (MANE Select); coding-DNA position 346, C replaced by T.
Protein change: p.Pro116Ser; replaces proline 116 with serine.
Molecular consequence: missense variant. On other transcripts: 3 prime UTR variant (1), intron variant (2).
Genome position (GRCh38, 1-based): chr14:65,076,613, G>A on the plus strand (C>T on the coding strand, the complement: MAX is on the minus strand). VCF-style: chr14-65076613-G-A. GRCh37 (hg19) VCF-style: chr14-65543331-G-A.
Other names: c.*135C>T (NM_001407101.1, NM_001407103.1, NM_001407109.1 and 4 more transcripts); c.*119C>T (NM_001407102.1, NM_001407104.1, NM_001407108.1 and 2 more transcripts); c.157C>T, p.Pro53Ser (NM_001407105.1, NM_001407106.1, NM_001407107.1 and 1 more transcripts); c.145C>T, p.Pro49Ser (NM_001407111.1, NM_001407112.1); c.346C>T, p.Pro116Ser (NM_001407094.1); c.319C>T, p.Pro107Ser (NM_001407095.1, NM_145112.3); c.238C>T, p.Pro80Ser (NM_001407098.1); c.144+17095C>T (NM_001271069.2); and 1 more; short protein forms P53S, P116S, P107S, P49S, P80S.
Identifiers: ClinVar variation 823808 (VCV000823808.13), dbSNP rs1186625283, ClinGen allele CA390031830.

ClinVar aggregate classification (germline): Uncertain significance. Review status: criteria provided, multiple submitters, no conflicts (2 of 4 stars). 4 submissions from 4 submitters: Uncertain significance (4). Last evaluated 2025-11-05.

Conditions:
Hereditary pheochromocytoma and paraganglioma. Also called: Hereditary pheochromocytoma-paraganglioma; Hereditary paragangliomas and pheochromocytomas; Hereditary Paraganglioma-Pheochromocytoma Syndromes. Identifiers: Orphanet 29072, MedGen C4274332, MONDO:0017366.
Hereditary cancer-predisposing syndrome. Also called: Hereditary Cancer Syndrome; Tumor predisposition; Neoplastic Syndromes, Hereditary; Hereditary neoplastic syndrome. Identifiers: Orphanet 140162, MedGen C0027672, MeSH D009386, MONDO:0015356.
Pheochromocytoma. Also called: MAX-Related Hereditary Paraganglioma-Pheochromocytoma Syndrome. Identifiers: Orphanet 29072, MedGen C0031511, MONDO:0008233, OMIM 171300, HP:0002666.

Allele frequency attached by ClinVar (database versions not stated): TOPMed 0.00002.

Submissions (4):

Labcorp Genetics (formerly Invitae), Labcorp
Classification: Uncertain significance for Hereditary pheochromocytoma and paraganglioma. Last evaluated: 2025-11-05. Review status: criteria provided, single submitter. Criteria: Invitae Variant Classification Sherloc (09022015). Collection method: clinical testing. Allele origin: germline.
Comment: This sequence change replaces proline, which is neutral and non-polar, with serine, which is neutral and polar, at codon 116 of the MAX protein (p.Pro116Ser). This variant is not present in population databases (gnomAD no frequency). This variant has not been reported in the literature in individuals affected with MAX-related conditions. ClinVar contains an entry for this variant (Variation ID: 823808). An algorithm developed to predict the effect of missense changes on protein structure and function outputs the following: PolyPhen-2: "Benign". The serine amino acid residue is found in multiple mammalian species, which suggests that this missense change does not adversely affect protein function. In summary, the available evidence is currently insufficient to determine the role of this variant in disease. Therefore, it has been classified as a Variant of Uncertain Significance.

Ambry Genetics
Classification: Uncertain significance for Hereditary cancer-predisposing syndrome. Last evaluated: 2024-09-15. Review status: criteria provided, single submitter. Criteria: Ambry Variant Classification Scheme 2023. Collection method: clinical testing. Allele origin: germline.
Comment: The p.P116S variant (also known as c.346C>T), located in coding exon 5 of the MAX gene, results from a C to T substitution at nucleotide position 346. The proline at codon 116 is replaced by serine, an amino acid with similar properties. This amino acid position is not well conserved in available vertebrate species. In addition, the in silico prediction for this alteration is inconclusive. Since supporting evidence is limited at this time, the clinical significance of this alteration remains unclear.

Baylor Genetics
Classification: Uncertain significance for Pheochromocytoma. Last evaluated: 2023-11-20. Review status: criteria provided, single submitter. Criteria: ACMG Guidelines, 2015. Collection method: clinical testing. Allele origin: unknown.

Genetic Services Laboratory, University of Chicago
Classification: Uncertain significance. Last evaluated: 2019-10-14. Review status: criteria provided, single submitter. Criteria: ACMG Guidelines, 2015. Collection method: clinical testing. Allele origin: germline. Affected: no.